The following is an entry in ClinVar:

NM_000283.4(PDE6B):c.319G>A (p.Ala107Thr)

Gene: PDE6B (phosphodiesterase 6B; plus strand). Cytogenetic location: 4p16.3.
Variant type: single nucleotide variant.
Coding change: c.319G>A on transcript NM_000283.4 (MANE Select); coding-DNA position 319, G replaced by A.
Protein change: p.Ala107Thr; replaces alanine 107 with threonine.
Molecular consequence: missense variant.
Genome position (GRCh38, 1-based): chr4:625,945, G>A. VCF-style: chr4-625945-G-A. GRCh37 (hg19) VCF-style: chr4-619734-G-A.
Other names: c.319G>A, p.Ala107Thr (NM_001145291.2); short protein forms A107T.
Identifiers: ClinVar variation 1910971 (VCV001910971.5), dbSNP rs2474074665, ClinGen allele CA355906802.
Genomic context (GRCh38, chr4:625,945, plus strand): 5'-CTGCAGGCCGACCGCTGCAGCCTCTTCATGTACCGCCAGCGCAACGGCGTGGCCGAGCTG[G>A]CCACCAGGCTTTTCAGCGTGCAGCCGGACAGCGTCCTGGAGGACTGCCTGGTGCCCCCCG-3'
Protein context (NP_000274.3, residues 97-117): YRQRNGVAEL[Ala107Thr]TRLFSVQPDS

ClinVar aggregate classification (germline): Uncertain significance (1 of 4 stars; one submission).

Submission:

Labcorp Genetics (formerly Invitae), Labcorp
Classification: Uncertain significance. Last evaluated: 2024-12-10. Review status: criteria provided, single submitter. Criteria: Invitae Variant Classification Sherloc (09022015). Collection method: clinical testing. Allele origin: germline.
Comment: This sequence change replaces alanine, which is neutral and non-polar, with threonine, which is neutral and polar, at codon 107 of the PDE6B protein (p.Ala107Thr). This variant is not present in population databases (gnomAD no frequency). This variant has not been reported in the literature in individuals affected with PDE6B-related conditions. ClinVar contains an entry for this variant (Variation ID: 1910971). Invitae Evidence Modeling of protein sequence and biophysical properties (such as structural, functional, and spatial information, amino acid conservation, physicochemical variation, residue mobility, and thermodynamic stability) indicates that this missense variant is not expected to disrupt PDE6B protein function with a negative predictive value of 80%. In summary, the available evidence is currently insufficient to determine the role of this variant in disease. Therefore, it has been classified as a Variant of Uncertain Significance.